The following is an entry in ClinVar:

NM_001276345.2(TNNT2):c.609+5G>A

Gene: TNNT2 (troponin T2, cardiac type; minus strand). Cytogenetic location: 1q32.1.
Variant type: single nucleotide variant.
Coding change: c.609+5G>A on transcript NM_001276345.2 (MANE Select); 5 bases into the intron after coding-DNA position 609, G replaced by A.
Molecular consequence: intron variant.
Genome position (GRCh38, 1-based): chr1:201,362,381, C>T on the plus strand (G>A on the coding strand, the complement: TNNT2 is on the minus strand). VCF-style: chr1-201362381-C-T. GRCh37 (hg19) VCF-style: chr1-201331509-C-T.
Other names: c.571-359G>A (NM_001406727.1, NM_001001431.3, NM_001406726.1); c.579+5G>A (NM_001406724.1, NM_001001430.3, NM_001276347.2); c.561+5G>A (NM_001001432.3); c.564+5G>A (NM_001406728.1); c.576+5G>A (NM_001406725.1); c.481-359G>A (NM_001276346.2); c.601-359G>A (NM_000364.4, NM_001406723.1).
Identifiers: ClinVar variation 4784736 (VCV004784736.1).
Genomic context (GRCh38, chr1:201,362,381, plus strand): 5'-TTCCCCTCCCAGGGAGCTCTCCAAAACTATGGGGAGGAAGAAGGCTTGAGGTTTTTGGTA[C>T]CCACCTGGGCCTGCTAAACCGGGAAACCATGAGAGAGAGGCCCATAGAAAAAGACCAAGA-3'

ClinVar aggregate classification (germline): Uncertain significance (1 of 4 stars; one submission).

Conditions:
Dilated cardiomyopathy 1D. Identifiers: Orphanet 154, Orphanet 54260, MedGen C1832243, MONDO:0011095, OMIM 601494.
Hypertrophic cardiomyopathy 2. Also called: TNNT2-Related Familial Hypertrophic Cardiomyopathy. Identifiers: MedGen C1861864, MONDO:0007266, OMIM 115195.
Cardiomyopathy, familial restrictive, 3. Identifiers: Orphanet 75249, MedGen C2676271, MONDO:0012900, OMIM 612422.

gnomAD v4.1: 2 of 1,613,842 alleles (0.00012%); highest among the groups gnomAD compares: Non-Finnish European, 0.000085%; no homozygotes.

Submission:

Labcorp Genetics (formerly Invitae), Labcorp
Classification: Uncertain significance for Cardiomyopathy, familial restrictive, 3; Hypertrophic cardiomyopathy 2; Dilated cardiomyopathy 1D. Last evaluated: 2025-04-22. Review status: criteria provided, single submitter. Criteria: Invitae Variant Classification Sherloc (09022015). Collection method: clinical testing. Allele origin: germline.
Comment: This sequence change falls in intron 12 of the TNNT2 gene. It does not directly change the encoded amino acid sequence of the TNNT2 protein. It affects a nucleotide within the consensus splice site. This variant is not present in population databases (gnomAD no frequency). This variant has not been reported in the literature in individuals affected with TNNT2-related conditions. Variants that disrupt the consensus splice site are a relatively common cause of aberrant splicing (PMID: 17576681, 9536098). Algorithms developed to predict the effect of sequence changes on RNA splicing suggest that this variant may disrupt the consensus splice site. In summary, the available evidence is currently insufficient to determine the role of this variant in disease. Therefore, it has been classified as a Variant of Uncertain Significance.

Literature cited by the submitters: PubMed 17576681; PubMed 9536098.